The following is an entry in ClinVar:

GRCh38/hg38 1q43(chr1:241344782-242376957)x3

Genes: BECN2 (beclin 2; plus strand), CHML (CHM like Rab escort protein; minus strand), EXO1 (exonuclease 1; plus strand), FH (fumarate hydratase; minus strand), KMO (kynurenine 3-monooxygenase; plus strand) and 16 more. Cytogenetic location: 1q43.
Variant type: copy number gain.
Change: copy number 3 (three copies instead of two) of chr1:241,344,782-242,376,957 (1.03 Mb, GRCh38 coordinates, 1-based), cytogenetic band 1q43.
Identifiers: ClinVar variation 4796445 (VCV004796445.1).

ClinVar aggregate classification (germline): Uncertain significance (1 of 4 stars; one submission).

Submission:

Medical Genetic Center, Changzhi Maternal and Child Health Care Hospital
Classification: Uncertain significance. Last evaluated: 2025-12-10. Review status: criteria provided, single submitter. Criteria: ACMG/ClinGen CNV Guidelines, 2019. Collection method: clinical testing. Allele origin: unknown.
Comment: 1A, FH duplication